The following is an entry in ClinVar:

NM_005045.4(RELN):c.3274G>A (p.Val1092Ile)

Gene: RELN (reelin; minus strand). Cytogenetic location: 7q22.1.
Variant type: single nucleotide variant.
Coding change: c.3274G>A on transcript NM_005045.4 (MANE Select); coding-DNA position 3274, G replaced by A.
Protein change: p.Val1092Ile; replaces valine 1092 with isoleucine.
Molecular consequence: missense variant.
Genome position (GRCh38, 1-based): chr7:103,603,363, C>T on the plus strand (G>A on the coding strand, the complement: RELN is on the minus strand). VCF-style: chr7-103603363-C-T. GRCh37 (hg19) VCF-style: chr7-103243810-C-T.
Other names: c.3274G>A, p.Val1092Ile (NM_173054.3); short protein forms V1092I.
Identifiers: ClinVar variation 1516840 (VCV001516840.9), dbSNP rs2117271353, ClinGen allele CA368762964.
Genomic context (GRCh38, chr7:103,603,363, plus strand): 5'-CCTTGCTGAAGTACAGAGATGATCCAGAAGAGATGACACCACACCCTTGTTCTGGTTTTA[C>T]AATTTCTCCCCCAATAACTTCTTGCCAGTCAGACTCCCAGCCATTCTGGTTCTCAAAATC-3'
Protein context (NP_005036.2, residues 1082-1102): DWQEVIGGEI[Val1092Ile]KPEQGCGVIS

ClinVar aggregate classification (germline): Uncertain significance. Review status: criteria provided, multiple submitters, no conflicts (2 of 4 stars). 2 submissions from 2 submitters: Uncertain significance (2). Last evaluated 2023-12-28.

Conditions:
Familial temporal lobe epilepsy 7. Identifiers: Orphanet 101046, MedGen C4225327, MONDO:0014639, OMIM 616436.
Norman-Roberts syndrome (LIS2). Also called: Lissencephaly 2 (Norman-Roberts type). Identifiers: Orphanet 89844, MedGen C0796089, MONDO:0009760, OMIM 257320.

Allele frequency attached by ClinVar (database versions not stated): gnomAD exomes below 0.00001.
gnomAD v4.1: 2 of 1,613,940 alleles (0.00012%); highest among the groups gnomAD compares: Non-Finnish European, 0.000085%; no homozygotes.

Submissions (2):

Blueprint Genetics
Classification: Uncertain significance. Last evaluated: 2023-12-28. Review status: criteria provided, single submitter. Criteria: ACMG Guidelines, 2015. Collection method: clinical testing. Allele origin: germline.

Labcorp Genetics (formerly Invitae), Labcorp
Classification: Uncertain significance for Familial temporal lobe epilepsy 7; Norman-Roberts syndrome. Last evaluated: 2023-11-06. Review status: criteria provided, single submitter. Criteria: Invitae Variant Classification Sherloc (09022015). Collection method: clinical testing. Allele origin: germline.
Comment: This sequence change replaces valine, which is neutral and non-polar, with isoleucine, which is neutral and non-polar, at codon 1092 of the RELN protein (p.Val1092Ile). This variant is not present in population databases (gnomAD no frequency). This variant has not been reported in the literature in individuals affected with RELN-related conditions. ClinVar contains an entry for this variant (Variation ID: 1516840). Advanced modeling of protein sequence and biophysical properties (such as structural, functional, and spatial information, amino acid conservation, physicochemical variation, residue mobility, and thermodynamic stability) performed at Invitae indicates that this missense variant is not expected to disrupt RELN protein function with a negative predictive value of 80%. In summary, the available evidence is currently insufficient to determine the role of this variant in disease. Therefore, it has been classified as a Variant of Uncertain Significance.